The following is an entry in ClinVar:

ClinVar aggregate classification (germline): Pathogenic. Review status: criteria provided, multiple submitters, no conflicts (2 of 4 stars). 4 submissions from 4 submitters: Pathogenic (4). Last evaluated 2025-06-18.

Conditions:
Cone-rod dystrophy 6 (CORD6). Also called: RETINAL CONE DYSTROPHY 2; Cone dystrophy progressive. Identifiers: Orphanet 1872, MedGen C1866293, MONDO:0011143, OMIM 601777.
Leber congenital amaurosis 1 (LCA1). Also called: Congenital absence of the rods and cones; Leber's congenital tapetoretinal degeneration; Leber's congenital tapetoretinal dysplasia; AMAUROSIS CONGENITA OF LEBER I; RETINAL BLINDNESS, CONGENITAL. Identifiers: Orphanet 65, MedGen C2931258, MONDO:0008764, OMIM 204000.

Allele frequency attached by ClinVar (database versions not stated): gnomAD exomes below 0.00001.

Submissions (4):

3billion
Classification: Pathogenic for Leber congenital amaurosis 1. Last evaluated: 2025-06-18. Review status: criteria provided, single submitter. Criteria: ACMG Guidelines, 2015. Collection method: clinical testing. Allele origin: germline. Affected: yes.
Comment: The variant is observed at an extremely low frequency in the gnomAD v4.1.0 dataset (total allele frequency: <0.001%). Predicted Consequence/Location: Frameshift: predicted to result in a loss or disruption of normal protein function through nonsense-mediated decay (NMD) or protein truncation. Multiple pathogenic variants are reported downstream of the variant. The variant has been reported at least twice as pathogenic without evidence for the classification (ClinVar ID: VCV000198995). Therefore, this variant is classified as Pathogenic according to the recommendation of ACMG/AMP guideline.

Labcorp Genetics (formerly Invitae), Labcorp
Classification: Pathogenic for Leber congenital amaurosis 1; Cone-rod dystrophy 6. Last evaluated: 2022-07-19. Review status: criteria provided, single submitter. Criteria: Invitae Variant Classification Sherloc (09022015). Collection method: clinical testing. Allele origin: germline.
Comment: Algorithms developed to predict the effect of sequence changes on RNA splicing suggest that this variant may create or strengthen a splice site. This sequence change creates a premature translational stop signal (p.Asn591Lysfs*46) in the GUCY2D gene. It is expected to result in an absent or disrupted protein product. Loss-of-function variants in GUCY2D are known to be pathogenic (PMID: 10951519, 11328726). This variant is present in population databases (rs794727952, gnomAD 0.003%). This variant has not been reported in the literature in individuals affected with GUCY2D-related conditions. ClinVar contains an entry for this variant (Variation ID: 198995). For these reasons, this variant has been classified as Pathogenic.

DBGen Ocular Genomics
Classification: Pathogenic for Leber congenital amaurosis 1. Last evaluated: 2021-05-21. Review status: criteria provided, single submitter. Criteria: ACMG Guidelines, 2015. Collection method: clinical testing. Allele origin: germline. Affected: yes. Observed: 1 variant allele.

Eurofins Ntd Llc (ga)
Classification: Pathogenic. Last evaluated: 2014-07-25. Review status: criteria provided, single submitter. Criteria: EGL Classification Definitions 2015. Collection method: clinical testing. Allele origin: germline. Observed: 1 variant allele, 1 heterozygote.

Literature cited by the submitters: PubMed 10951519 (cited by Labcorp Genetics (formerly Invitae), Labcorp); PubMed 11328726 (cited by Labcorp Genetics (formerly Invitae), Labcorp).

NM_000180.4(GUCY2D):c.1773del (p.Asn591fs)

Gene: GUCY2D (guanylate cyclase 2D, retinal; plus strand). Cytogenetic location: 17p13.1.
Variant type: Deletion.
Coding change: c.1773del on transcript NM_000180.4 (MANE Select); coding-DNA position 1773, one base deleted (C; older notation c.1773delC).
Protein change: p.Asn591fs; shifts the reading frame from asparagine 591.
Molecular consequence: frameshift variant.
Genome position (GRCh38, 1-based): chr17:8,012,167, C deleted. VCF-style (leftmost placement, unchanged base first): chr17-8012166-AC-A. GRCh37 (hg19) VCF-style: chr17-7915484-AC-A.
Other names: short protein forms N591fs.
Identifiers: ClinVar variation 198995 (VCV000198995.12), dbSNP rs794727952, ClinGen allele CA251244.